The following is an entry in ClinVar:

ClinVar aggregate classification (germline): Pathogenic/Likely pathogenic. Review status: criteria provided, multiple submitters, no conflicts (2 of 4 stars). 4 submissions from 4 submitters: Pathogenic (1); Likely pathogenic (3). Last evaluated 2025-11-26.

Conditions:
Cardiovascular phenotype. Identifiers: MedGen CN230736.
Hereditary cancer-predisposing syndrome. Also called: Hereditary Cancer Syndrome; Hereditary neoplastic syndrome; Neoplastic Syndromes, Hereditary; Tumor predisposition. Identifiers: Orphanet 140162, MedGen C0027672, MeSH D009386, MONDO:0015356.
Neurofibromatosis, type 1 (NF1). Also called: Peripheral type neurofibromatosis; Neurofibromatosis, type I; VON RECKLINGHAUSEN DISEASE; NEUROFIBROMATOSIS, TYPE I, SOMATIC. Identifiers: Orphanet 636, MedGen C0027831, MONDO:0018975, OMIM 162200. Disease mechanism: loss of function.

Submissions (4):

Labcorp Genetics (formerly Invitae), Labcorp
Classification: Pathogenic for Neurofibromatosis, type 1. Last evaluated: 2025-11-26. Review status: criteria provided, single submitter. Criteria: Invitae Variant Classification Sherloc (09022015). Collection method: clinical testing. Allele origin: germline.
Comment: This variant, c.819_821del, results in the deletion of 1 amino acid(s) of the NF1 protein (p.Leu274del), but otherwise preserves the integrity of the reading frame. This variant is not present in population databases (gnomAD no frequency). This variant has been observed in individual(s) with suspected NF1 (PMID: 18546366). ClinVar contains an entry for this variant (Variation ID: 1333709). This variant disrupts a region of the NF1 protein in which other variant(s) (p.Leu274Arg) have been determined to be pathogenic (internal data). This suggests that this is a clinically significant region of the protein, and that variants that disrupt it are likely to be disease-causing. For these reasons, this variant has been classified as Pathogenic.

Laboratory of Genetics, Children's Clinical University Hospital Latvia
Classification: Likely pathogenic. Last evaluated: 2025-02-16. Review status: criteria provided, single submitter. Criteria: ACMG Guidelines, 2015. Collection method: clinical testing. Allele origin: germline. Affected: yes.

3billion
Classification: Likely pathogenic for Neurofibromatosis, type 1. Last evaluated: 2022-01-03. Review status: criteria provided, single submitter. Criteria: ACMG Guidelines, 2015. Collection method: clinical testing. Allele origin: germline. Affected: yes. Observed: 1 heterozygote.
Comment: This inframe deletion in the non-repeat region can change the length of the protein and disrupt protein function (PM4_M). The variant has been reported to be associated with NF1 related disorder (PMID:26969325). It is not observed in the gnomAD v2.1.1 dataset (PM2_M). Patient's phenotype is considered compatible with Neurofibromatosis, type 1 (3billion dataset, PP4_P). Therefore, this variant is classified as likely pathogenic according to the recommendation of ACMG/AMP guideline.

Ambry Genetics
Classification: Likely pathogenic for Cardiovascular phenotype; Hereditary cancer-predisposing syndrome. Last evaluated: 2017-05-26. Review status: criteria provided, single submitter. Criteria: Ambry Variant Classification Scheme 2023. Collection method: clinical testing. Allele origin: germline.
Comment: The c.819_821delCCT variant (also known as p.L274del) is located in coding exon 8 of the NF1 gene. This variant results from an in-frame CCT deletion at nucleotide positions 819 to 821. This results in the in-frame deletion of a leucine at codon 274. In two separate studies, two unique alterations (c.817_819delCTC and c.820_822delCTT) that both result in the same consequence of removing a leucine (L) at either codon 274 or 273, were detected in two individuals fulfilling NIH diagnostic criteria for Neurofibromatosis type 1 (NF1) (Hutter S et al. Hum. Genet., 2016 May;135:469-75). (Pros E et al. Hum. Mutat., 2008 Sep;29:E173-93). This amino acid position is highly conserved in available vertebrate species. Based on the majority of available evidence to date, this variant is likely to be pathogenic.

Literature cited by the submitters: PubMed 18546366 (cited by Labcorp Genetics (formerly Invitae), Labcorp); PubMed 26969325 (cited by 3billion).

NM_001042492.3(NF1):c.819_821del (p.Leu274del)

Gene: NF1 (neurofibromin 1; plus strand). Cytogenetic location: 17q11.2.
Variant type: Deletion.
Coding change: c.819_821del on transcript NM_001042492.3 (MANE Select); coding-DNA positions 819 to 821, 3 bases deleted (CCT; older notation c.819_821delCCT).
Protein change: p.Leu274del; deletes leucine 274.
Molecular consequence: inframe deletion. On other transcripts: inframe indel (1).
Genome position (GRCh38, 1-based): chr17:31,182,596-31,182,598, CCT deleted; deleting any 3 consecutive bases within chr17:31,182,594-31,182,598 gives the same sequence; the c. name uses the placement nearest the transcript's 3' end. VCF-style (leftmost placement, unchanged base first): chr17-31182593-TCTC-T. GRCh37 (hg19) VCF-style: chr17-29509611-TCTC-T.
Other names: c.819_821delCCT, p.Leu274del (NM_000267.4); c.819_821del, p.Leu274del (NM_001128147.3); c.819_821delCCT (NM_000267.3); short protein forms L274del.
Identifiers: ClinVar variation 1333709 (VCV001333709.7), dbSNP rs2143786045, ClinGen allele CA2573054370.